The following is an entry in ClinVar:

ClinVar aggregate classification (germline): Uncertain significance. Review status: criteria provided, multiple submitters, no conflicts (2 of 4 stars). 3 submissions from 3 submitters: Uncertain significance (3). Last evaluated 2024-05-30.

Conditions:
Inborn genetic diseases. Identifiers: MedGen C0950123, MeSH D030342.
Charcot-Marie-Tooth disease, type IA (CMT1A). Also called: HEREDITARY MOTOR AND SENSORY NEUROPATHY IA; CHARCOT-MARIE-TOOTH DISEASE, DEMYELINATING, TYPE 1A; CHARCOT-MARIE-TOOTH DISEASE, AUTOSOMAL DOMINANT, WITH FOCALLY FOLDED MYELIN SHEATHS, TYPE 1A; CHARCOT-MARIE-TOOTH NEUROPATHY, TYPE 1A; Charcot-Marie-Tooth disease type 1A; CMT 1A. Identifiers: Orphanet 101081, MedGen C0270911, MONDO:0007309, OMIM 118220.
Hereditary liability to pressure palsies (HNPP). Also called: POLYNEUROPATHY, FAMILIAL RECURRENT; TOMACULOUS NEUROPATHY; Hereditary Neuropathy with Liability to Pressure Palsies. Identifiers: Orphanet 640, MedGen C0393814, MONDO:0008087, OMIM 162500.
Charcot-Marie-Tooth disease type 1E. Also called: Charcot-Marie-Tooth disease and deafness; CHARCOT-MARIE-TOOTH DISEASE, DEMYELINATING, TYPE 1E; CHARCOT-MARIE-TOOTH NEUROPATHY AND DEAFNESS, AUTOSOMAL DOMINANT; Charcot-Marie-Tooth Neuropathy Type 1E. Identifiers: Orphanet 90658, MedGen C3495591, MONDO:0007311, OMIM 118300.
Guillain-Barre syndrome, familial (GBS). Identifiers: Orphanet 98916, MedGen C4083008, MONDO:0007691, OMIM 139393.
Roussy-Lévy syndrome. Also called: Roussy-Levy Syndrome; Roussy Levy hereditary areflexic dystasia; Roussy-Levy disease; Hereditary areflexic dystasia. Identifiers: Orphanet 3115, MedGen C0205713, MONDO:0008392, OMIM 180800.
Dejerine-Sottas disease. Also called: HEREDITARY MOTOR AND SENSORY NEUROPATHY TYPE III; DEJERINE-SOTTAS NEUROPATHY; HMSN Type III; Hereditary motor and sensory neuropathy 3; Charcot-Marie-Tooth disease type 3. Identifiers: Orphanet 64748, MedGen C0011195, MONDO:0007790, OMIM 145900.
Charcot-Marie-Tooth disease, type I (CMT1). Also called: Charcot-Marie-Tooth, Type 1; Charcot-Marie-Tooth disease type 1. Identifiers: Orphanet 65753, MedGen C0751036, MONDO:0019011.

Allele frequency attached by ClinVar (database versions not stated): gnomAD exomes below 0.00001; gnomAD 0.00001; TOPMed 0.00004.
gnomAD v4.1: 3 of 1,613,870 alleles (0.00019%); highest among the groups gnomAD compares: Admixed American, 0.0033%; no homozygotes.

Submissions (3):

Ambry Genetics
Classification: Uncertain significance for Inborn genetic diseases. Last evaluated: 2024-05-30. Review status: criteria provided, single submitter. Criteria: Ambry Variant Classification Scheme 2023. Collection method: clinical testing. Allele origin: germline.

Labcorp Genetics (formerly Invitae), Labcorp
Classification: Uncertain significance for Charcot-Marie-Tooth disease, type I. Last evaluated: 2022-12-07. Review status: criteria provided, single submitter. Criteria: Invitae Variant Classification Sherloc (09022015). Collection method: clinical testing. Allele origin: germline.
Comment: Algorithms developed to predict the effect of missense changes on protein structure and function (SIFT, PolyPhen-2, Align-GVGD) all suggest that this variant is likely to be disruptive. In summary, the available evidence is currently insufficient to determine the role of this variant in disease. Therefore, it has been classified as a Variant of Uncertain Significance. ClinVar contains an entry for this variant (Variation ID: 462781). This variant has not been reported in the literature in individuals affected with PMP22-related conditions. This variant is not present in population databases (gnomAD no frequency). This sequence change replaces glutamic acid, which is acidic and polar, with lysine, which is basic and polar, at codon 160 of the PMP22 protein (p.Glu160Lys).

Fulgent Genetics
Classification: Uncertain significance for Charcot-Marie-Tooth disease, type IA; Charcot-Marie-Tooth disease type 1E; Guillain-Barre syndrome, familial; Dejerine-Sottas disease; Hereditary liability to pressure palsies; Roussy-Lévy syndrome. Last evaluated: 2018-10-31. Review status: criteria provided, single submitter. Criteria: ACMG Guidelines, 2015. Collection method: clinical testing. Allele origin: unknown.

NM_000304.4(PMP22):c.478G>A (p.Glu160Lys)

Gene: PMP22 (peripheral myelin protein 22; minus strand). Cytogenetic location: 17p12.
Variant type: single nucleotide variant.
Coding change: c.478G>A on transcript NM_000304.4 (MANE Select); coding-DNA position 478, G replaced by A.
Protein change: p.Glu160Lys; replaces glutamic acid 160 with lysine.
Molecular consequence: missense variant. On other transcripts: non-coding transcript variant (2).
Genome position (GRCh38, 1-based): chr17:15,230,922, C>T on the plus strand (G>A on the coding strand, the complement: PMP22 is on the minus strand). VCF-style: chr17-15230922-C-T. GRCh37 (hg19) VCF-style: chr17-15134239-C-T.
Other names: c.478G>A (NM_000304.2); c.478G>A, p.Glu160Lys (NM_001281455.2, NM_001281456.2, NM_153321.3 and 1 more transcripts); short protein forms E160K.
Identifiers: ClinVar variation 462781 (VCV000462781.10), dbSNP rs1022583382, ClinGen allele CA288864487.
Genomic context (GRCh38, chr17:15,230,922, plus strand): 5'-CCCTTCCTCCCTTCCCTATGTACGCTCAGAGCCTCAGACAGACCGTCTGGGCGCCTCATT[C>T]GCGTTTCCGCAAGATCACATAGATGACACCGCTGAGAAGGGCCAGGGGGAAGGCCACCCA-3'
Protein context (NP_000295.1, residues 150-160): GVIYVILRKR[Glu160Lys]